The following is an entry in ClinVar:

ClinVar aggregate classification (germline): Uncertain significance (1 of 4 stars; one submission).

Conditions:
Progressive myoclonic epilepsy type 3. Also called: EPILEPSY, PROGRESSIVE MYOCLONIC, 3, WITH OR WITHOUT INTRACELLULAR INCLUSIONS; CEROID LIPOFUSCINOSIS, NEURONAL, 14; EPILEPSY, PROGRESSIVE MYOCLONIC, 3, WITHOUT INTRACELLULAR INCLUSIONS; KCTD7-Related Progressive Myoclonic Epilepsy. Identifiers: Orphanet 263516, MedGen C2673257, MONDO:0012721, OMIM 611726.

Submission:

Labcorp Genetics (formerly Invitae), Labcorp
Classification: Uncertain significance for Progressive myoclonic epilepsy type 3. Last evaluated: 2022-08-09. Review status: criteria provided, single submitter. Criteria: Invitae Variant Classification Sherloc (09022015). Collection method: clinical testing. Allele origin: germline.
Comment: In summary, the available evidence is currently insufficient to determine the role of this variant in disease. Therefore, it has been classified as a Variant of Uncertain Significance. Algorithms developed to predict the effect of missense changes on protein structure and function are either unavailable or do not agree on the potential impact of this missense change (SIFT: "Deleterious"; PolyPhen-2: "Benign"; Align-GVGD: "Class C65"). ClinVar contains an entry for this variant (Variation ID: 1476776). This variant has not been reported in the literature in individuals affected with KCTD7-related conditions. This variant is not present in population databases (gnomAD no frequency). This sequence change replaces glutamic acid, which is acidic and polar, with valine, which is neutral and non-polar, at codon 51 of the KCTD7 protein (p.Glu51Val).

NM_153033.5(KCTD7):c.152A>T (p.Glu51Val)

Gene: KCTD7 (potassium channel tetramerization domain containing 7; plus strand). Cytogenetic location: 7q11.21.
Variant type: single nucleotide variant.
Coding change: c.152A>T on transcript NM_153033.5 (MANE Select); coding-DNA position 152, A replaced by T.
Protein change: p.Glu51Val; replaces glutamic acid 51 with valine.
Molecular consequence: missense variant.
Genome position (GRCh38, 1-based): chr7:66,633,282, A>T. VCF-style: chr7-66633282-A-T. GRCh37 (hg19) VCF-style: chr7-66098269-A-T.
Other names: c.152A>T, p.Glu51Val (NM_001167961.2); short protein forms E51V.
Identifiers: ClinVar variation 1476776 (VCV001476776.8), dbSNP rs2116763702, ClinGen allele CA367695449.
Genomic context (GRCh38, chr7:66,633,282, plus strand): 5'-CCCAGCTCTCATTCCCCGTTGCCTGCCTGAGAGCCCTGGTGATTTCTTTCCAGTTTCCTG[A>T]GGTTGTTCCCCTTAACATCGGAGGGGCTCACTTCACTACACGCCTGTCCACACTGCGGTG-3'
Protein context (NP_694578.1, residues 41-61): ALPLLPQEFP[Glu51Val]VVPLNIGGAH